The following is an entry in ClinVar:

ClinVar aggregate classification (germline): Uncertain significance. Review status: criteria provided, multiple submitters, no conflicts (2 of 4 stars). 2 submissions from 2 submitters: Uncertain significance (2). Last evaluated 2026-02-03.

Conditions:
Inborn genetic diseases. Identifiers: MedGen C0950123, MeSH D030342.

gnomAD v4.1: 5 of 1,614,062 alleles (0.00031%); highest among the groups gnomAD compares: Non-Finnish European, 0.00042%; no homozygotes.

Submissions (2):

Women's Health and Genetics/Laboratory Corporation of America, LabCorp
Classification: Uncertain significance. Last evaluated: 2026-02-03. Review status: criteria provided, single submitter. Criteria: LabCorp Variant Classification Summary - May 2015. Collection method: clinical testing. Allele origin: germline.
Comment: Variant summary: SPOP c.884G>A (p.Ser295Asn) results in a conservative amino acid change in the encoded protein sequence. Algorithms developed to predict the effect of missense changes on protein structure and function are either unavailable or do not agree on the potential impact of this missense change. The variant was absent in 251348 control chromosomes. The available data on variant occurrences in the general population are insufficient to allow any conclusion about variant significance. To our knowledge, no occurrence of c.884G>A in individuals affected with SPOP-related conditions and no experimental evidence demonstrating its impact on protein function have been reported. ClinVar contains an entry for this variant (Variation ID: 3448728). Based on the evidence outlined above, the variant was classified as uncertain significance.

Ambry Genetics
Classification: Uncertain significance for Inborn genetic diseases. Last evaluated: 2024-09-04. Review status: criteria provided, single submitter. Criteria: Ambry Variant Classification Scheme 2023. Collection method: clinical testing. Allele origin: germline.

NM_001007228.2(SPOP):c.884G>A (p.Ser295Asn)

Gene: SPOP (speckle type BTB/POZ protein; minus strand). Cytogenetic location: 17q21.33.
Variant type: single nucleotide variant.
Coding change: c.884G>A on transcript NM_001007228.2 (MANE Select); coding-DNA position 884, G replaced by A.
Protein change: p.Ser295Asn; replaces serine 295 with asparagine.
Molecular consequence: missense variant.
Genome position (GRCh38, 1-based): chr17:49,601,961, C>T on the plus strand (G>A on the coding strand, the complement: SPOP is on the minus strand). VCF-style: chr17-49601961-C-T. GRCh37 (hg19) VCF-style: chr17-47679323-C-T.
Other names: c.884G>A, p.Ser295Asn (NM_001007226.1, NM_001007227.1, NM_001007229.1 and 5 more transcripts); short protein forms S295N.
Identifiers: ClinVar variation 3448728 (VCV003448728.2).